The following is an entry in ClinVar:

ClinVar aggregate classification (germline): Uncertain significance (1 of 4 stars; one submission).

Submission:

GeneDx
Classification: Uncertain significance. Last evaluated: 2025-06-06. Review status: criteria provided, single submitter. Criteria: GeneDx Variant Classification Process June 2021. Collection method: clinical testing. Allele origin: germline. Affected: yes.
Comment: Not observed at significant frequency in large population cohorts (gnomAD); In silico analysis supports that this missense variant has a deleterious effect on protein structure/function; Has not been previously published as pathogenic or benign to our knowledge

NM_002516.4(NOVA2):c.506A>T (p.Lys169Met)

Gene: NOVA2 (NOVA alternative splicing regulator 2; minus strand). Cytogenetic location: 19q13.32.
Variant type: single nucleotide variant.
Coding change: c.506A>T on transcript NM_002516.4 (MANE Select); coding-DNA position 506, A replaced by T.
Protein change: p.Lys169Met; replaces lysine 169 with methionine.
Molecular consequence: missense variant.
Genome position (GRCh38, 1-based): chr19:45,940,836, T>A on the plus strand (A>T on the coding strand, the complement: NOVA2 is on the minus strand). VCF-style: chr19-45940836-T-A. GRCh37 (hg19) VCF-style: chr19-46444094-T-A.
Other names: short protein forms K169M.
Identifiers: ClinVar variation 4536439 (VCV004536439.1).
Genomic context (GRCh38, chr19:45,940,836, plus strand): 5'-ACCTGCTCGGGCTCGCCGCTGACCGTCACCACGCGCTCCTGCAGGTTGATGCCCTCCGGC[T>A]TCTGGGACAGCTGCACCCATGCTCCTGACTGTTCCATCACGGCTTTCACCGTGGCGCCTC-3'
Protein context (NP_002507.1, residues 159-179): QSGAWVQLSQ[Lys169Met]PEGINLQERV